The following is an entry in ClinVar:

NM_000179.3(MSH6):c.3139del (p.Trp1047fs)

Gene: MSH6 (mutS homolog 6; plus strand). Cytogenetic location: 2p16.3.
Variant type: Deletion.
Coding change: c.3139del on transcript NM_000179.3 (MANE Select); coding-DNA position 3139, one base deleted (T; older notation c.3139delT).
Protein change: p.Trp1047fs; shifts the reading frame from tryptophan 1047.
Molecular consequence: frameshift variant.
Genome position (GRCh38, 1-based): chr2:47,801,122, T deleted. VCF-style (leftmost placement, unchanged base first): chr2-47801121-CT-C. GRCh37 (hg19) VCF-style: chr2-48028260-CT-C.
Other names: c.2749del, p.Trp917fs (NM_001281492.2); c.2233del, p.Trp745fs (NM_001281493.2, NM_001281494.2); c.3139delT (NM_000179.2); short protein forms W1047fs, W745fs, W917fs.
Identifiers: ClinVar variation 428420 (VCV000428420.10), dbSNP rs1114167782, ClinGen allele CA645369285.
Genomic context (GRCh38, chr2:47,801,121, plus strand): 5'-TGTATCATTGAAGGACTGCATGCGGCGACTGTTCTATAACTTTGATAAAAATTACAAGGA[CT>C]GGCAGTCTGCTGTAGAGTGTATCGCAGTGTTGGGTAAGACTTTGAACAAGCTTGTTCTCA-3'

ClinVar aggregate classification (germline): Pathogenic. Review status: criteria provided, multiple submitters, no conflicts (2 of 4 stars). 3 submissions from 3 submitters: Pathogenic (3). Last evaluated 2023-08-22.

Conditions:
Lynch syndrome 5 (LYNCH5). Also called: Hereditary non-polyposis colorectal cancer, type 5; Colorectal cancer, hereditary nonpolyposis, type 5. Identifiers: Orphanet 144, MedGen C1833477, MONDO:0013710, OMIM 614350. Disease mechanism: loss of function.
Hereditary cancer-predisposing syndrome. Also called: Hereditary Cancer Syndrome; Neoplastic Syndromes, Hereditary; Hereditary neoplastic syndrome; Tumor predisposition. Identifiers: Orphanet 140162, MedGen C0027672, MeSH D009386, MONDO:0015356.
Hereditary nonpolyposis colorectal neoplasms. Identifiers: MedGen C0009405, MeSH D003123.

Submissions (3):

Myriad Genetics, Inc.
Classification: Pathogenic for Lynch syndrome 5. Last evaluated: 2023-08-22. Review status: criteria provided, single submitter. Criteria: Myriad Autosomal Dominant, Autosomal Recessive and X-Linked Classification Criteria (2023). Collection method: clinical testing. Allele origin: unknown.
Comment: This variant is considered pathogenic. This variant creates a frameshift predicted to result in premature protein truncation.

Labcorp Genetics (formerly Invitae), Labcorp
Classification: Pathogenic for Hereditary nonpolyposis colorectal neoplasms. Last evaluated: 2021-05-10. Review status: criteria provided, single submitter. Criteria: Invitae Variant Classification Sherloc (09022015). Collection method: clinical testing. Allele origin: germline.
Comment: This variant has not been reported in the literature in individuals with MSH6-related conditions. ClinVar contains an entry for this variant (Variation ID: 428420). This variant is not present in population databases (ExAC no frequency). This sequence change creates a premature translational stop signal (p.Trp1047Glyfs*5) in the MSH6 gene. It is expected to result in an absent or disrupted protein product. Loss-of-function variants in MSH6 are known to be pathogenic (PMID: 18269114, 24362816). For these reasons, this variant has been classified as Pathogenic.

Ambry Genetics
Classification: Pathogenic for Hereditary cancer-predisposing syndrome. Last evaluated: 2012-06-04. Review status: criteria provided, single submitter. Criteria: Ambry Autosomal Dominant and X-Linked criteria (10/2015). Collection method: clinical testing. Allele origin: germline. Observed: 1 variant allele.
Comment: This alteration is expected to result in loss of function by premature protein truncation or nonsense-mediatedâ€¯mRNAâ€¯decay.â€¯As such, this alteration is interpreted as a disease-causing mutation.

Literature cited by the submitters: PubMed 18269114 (cited by Labcorp Genetics (formerly Invitae), Labcorp); PubMed 24362816 (cited by Labcorp Genetics (formerly Invitae), Labcorp).